The following is an entry in ClinVar:

NM_001329943.3(KIAA0586):c.5A>G (p.Lys2Arg)

Gene: KIAA0586 (KIAA0586; plus strand). Cytogenetic location: 14q23.1.
Variant type: single nucleotide variant.
Coding change: c.5A>G on transcript NM_001329943.3 (MANE Select); coding-DNA position 5, A replaced by G.
Protein change: p.Lys2Arg; replaces lysine 2 with arginine.
Molecular consequence: missense variant. On other transcripts: intron variant (6).
Genome position (GRCh38, 1-based): chr14:58,428,269, A>G. VCF-style: chr14-58428269-A-G. GRCh37 (hg19) VCF-style: chr14-58894987-A-G.
Other names: c.41A>G, p.Lys14Arg (NM_001244189.2); c.5A>G, p.Lys2Arg (NM_001329944.2, NM_001329946.2, NM_001329947.2 and 1 more transcripts); c.-38-3A>G (NM_001244190.2); c.-57+632A>G (NM_001244192.2, NM_001244191.2); c.-57+456A>G (NM_001364701.2, NM_001329945.2, NM_001364700.1); short protein forms K14R, K2R.
Identifiers: ClinVar variation 3767624 (VCV003767624.1).

ClinVar aggregate classification (germline): Uncertain significance (1 of 4 stars; one submission).

Submission:

GeneDx
Classification: Uncertain significance. Last evaluated: 2024-09-05. Review status: criteria provided, single submitter. Criteria: GeneDx Variant Classification Process June 2021. Collection method: clinical testing. Allele origin: germline. Affected: yes.
Comment: Not observed at significant frequency in large population cohorts (gnomAD); In silico analysis indicates that this missense variant does not alter protein structure/function; Has not been previously published as pathogenic or benign to our knowledge